The following is an entry in ClinVar:

ClinVar aggregate classification (germline): Uncertain significance (1 of 4 stars; one submission).

Conditions:
Gorlin syndrome. Also called: Basal cell nevus syndrome; Nevoid Basal Cell Carcinoma Syndrome. Identifiers: Orphanet 377, MedGen C0004779, MONDO:0007187.

Submission:

Labcorp Genetics (formerly Invitae), Labcorp
Classification: Uncertain significance for Gorlin syndrome. Last evaluated: 2025-07-08. Review status: criteria provided, single submitter. Criteria: Invitae Variant Classification Sherloc (09022015). Collection method: clinical testing. Allele origin: germline.
Comment: This sequence change falls in intron 4 of the PTCH1 gene. It does not directly change the encoded amino acid sequence of the PTCH1 protein. This variant is not present in population databases (gnomAD no frequency). This variant has not been reported in the literature in individuals affected with PTCH1-related conditions. Algorithms developed to predict the effect of sequence changes on RNA splicing suggest that this variant may disrupt the consensus splice site. In summary, the available evidence is currently insufficient to determine the role of this variant in disease. Therefore, it has been classified as a Variant of Uncertain Significance.

NM_000264.5(PTCH1):c.655-12T>A

Gene: PTCH1 (patched 1; minus strand). Cytogenetic location: 9q22.32.
Variant type: single nucleotide variant.
Coding change: c.655-12T>A on transcript NM_000264.5 (MANE Select); 12 bases into the intron before coding-DNA position 655, T replaced by A.
Molecular consequence: intron variant.
Genome position (GRCh38, 1-based): chr9:95,482,052, A>T on the plus strand (T>A on the coding strand, the complement: PTCH1 is on the minus strand). VCF-style: chr9-95482052-A-T. GRCh37 (hg19) VCF-style: chr9-98244334-A-T.
Other names: c.652-12T>A (NM_001083603.3); c.457-12T>A (NM_001083602.3, NM_001354919.2); c.655-12T>A (NM_001354918.2); c.202-12T>A (NM_001083605.3, NM_001083604.3, NM_001083606.3 and 1 more transcripts).
Identifiers: ClinVar variation 4722839 (VCV004722839.1).